The following is an entry in ClinVar:

ClinVar aggregate classification (germline): Uncertain significance. Review status: criteria provided, single submitter (1 of 4 stars). 2 submissions from 2 submitters: Uncertain significance (1). 1 of the submissions does not count toward it. Last evaluated 2025-11-03.

Conditions:
LZTR1-related disorder. Also called: LZTR1-related disorders; LZTR1-related condition.

Allele frequency attached by ClinVar (database versions not stated): TOPMed below 0.00001.

Submissions (2):

Labcorp Genetics (formerly Invitae), Labcorp
Classification: Uncertain significance. Last evaluated: 2025-11-03. Review status: criteria provided, single submitter. Criteria: Invitae Variant Classification Sherloc (09022015). Collection method: clinical testing. Allele origin: germline.
Comment: This sequence change falls in intron 5 of the LZTR1 gene. It does not directly change the encoded amino acid sequence of the LZTR1 protein. It affects a nucleotide within the consensus splice site. This variant is not present in population databases (gnomAD no frequency). This variant has not been reported in the literature in individuals affected with LZTR1-related conditions. ClinVar contains an entry for this variant (Variation ID: 1400783). Variants that disrupt the consensus splice site are a relatively common cause of aberrant splicing (PMID: 17576681, 9536098). Algorithms developed to predict the effect of sequence changes on RNA splicing suggest that this variant is not likely to affect RNA splicing. In summary, the available evidence is currently insufficient to determine the role of this variant in disease. Therefore, it has been classified as a Variant of Uncertain Significance.

PreventionGenetics, part of Exact Sciences
Classification: Likely benign for LZTR1-related condition. Last evaluated: 2023-01-30. Review status: no assertion criteria provided. Collection method: clinical testing. Allele origin: germline. Not counted in ClinVar's aggregate classification.
Comment: This variant is classified as likely benign based on ACMG/AMP sequence variant interpretation guidelines (Richards et al. 2015 PMID: 25741868, with internal and published modifications).

Literature cited by the submitters: PubMed 17576681 (cited by Labcorp Genetics (formerly Invitae), Labcorp); PubMed 9536098 (cited by Labcorp Genetics (formerly Invitae), Labcorp).

NM_006767.4(LZTR1):c.509+6A>G

Gene: LZTR1 (leucine zipper like post translational regulator 1; plus strand). Cytogenetic location: 22q11.21.
Variant type: single nucleotide variant.
Coding change: c.509+6A>G on transcript NM_006767.4 (MANE Select); 6 bases into the intron after coding-DNA position 509, A replaced by G.
Molecular consequence: intron variant.
Genome position (GRCh38, 1-based): chr22:20,988,124, A>G. VCF-style: chr22-20988124-A-G. GRCh37 (hg19) VCF-style: chr22-21342413-A-G.
Other names: c.509+6A>G (NM_006767.3).
Identifiers: ClinVar variation 1400783 (VCV001400783.8), dbSNP rs1024251271, ClinGen allele CA322323585.